The following is an entry in ClinVar:

ClinVar aggregate classification (germline): Likely benign (1 of 4 stars; one submission).

Allele frequency attached by ClinVar (database versions not stated): TOPMed 0.00011; 1000 Genomes Project 0.00080; 1000 Genomes Project 30x 0.00094.
gnomAD v4.1: 19 of 152,092 alleles (0.012%); highest among the groups gnomAD compares: South Asian, 0.15%; no homozygotes.

Submission:

CeGaT Center for Human Genetics Tuebingen
Classification: Likely benign. Last evaluated: 2026-03-01. Review status: criteria provided, single submitter. Criteria: CeGaT Center For Human Genetics Tuebingen Variant Classification Criteria Version 2. Collection method: clinical testing. Allele origin: germline. Affected: yes. Observed: 4 variant alleles.
Comment: BRAF: BS1

NM_004333.6(BRAF):c.1141-1927C>T

Gene: BRAF (B-Raf proto-oncogene, serine/threonine kinase; minus strand). Cytogenetic location: 7q34.
Variant type: single nucleotide variant.
Coding change: c.1141-1927C>T on transcript NM_004333.6 (MANE Select); 1927 bases into the intron before coding-DNA position 1141, C replaced by T.
Molecular consequence: intron variant.
Genome position (GRCh38, 1-based): chr7:140,789,511, G>A on the plus strand (C>T on the coding strand, the complement: BRAF is on the minus strand). VCF-style: chr7-140789511-G-A. GRCh37 (hg19) VCF-style: chr7-140489311-G-A.
Other names: c.1141-1927C>T (NM_001378474.1, NM_001378468.1, NM_001354609.2 and 3 more transcripts); c.1039-1927C>T (NM_001378470.1); c.877-1927C>T (NM_001378475.1); c.1140+4797C>T (NM_001378471.1); c.1150-1927C>T (NM_001378467.1); c.985-1927C>T (NM_001378472.1, NM_001378473.1).
Identifiers: ClinVar variation 2658051 (VCV002658051.24), dbSNP rs527525514, ClinGen allele CA168096447.